The following is an entry in ClinVar:

NM_003062.4(SLIT3):c.1886G>A (p.Ser629Asn)

Gene: SLIT3 (slit guidance ligand 3; minus strand). Cytogenetic location: 5q34.
Variant type: single nucleotide variant.
Coding change: c.1886G>A on transcript NM_003062.4 (MANE Select); coding-DNA position 1886, G replaced by A.
Protein change: p.Ser629Asn; replaces serine 629 with asparagine.
Molecular consequence: missense variant.
Genome position (GRCh38, 1-based): chr5:168,753,042, C>T on the plus strand (G>A on the coding strand, the complement: SLIT3 is on the minus strand). VCF-style: chr5-168753042-C-T. GRCh37 (hg19) VCF-style: chr5-168180047-C-T.
Other names: c.1886G>A, p.Ser629Asn (NM_001271946.2); short protein forms S629N.
Identifiers: ClinVar variation 774637 (VCV000774637.27), dbSNP rs34260167, ClinGen allele CA3551483.

ClinVar aggregate classification (germline): Benign. Review status: criteria provided, multiple submitters, no conflicts (2 of 4 stars). 2 submissions from 2 submitters: Benign (2). Last evaluated 2026-06-01.

Allele frequency attached by ClinVar (database versions not stated): 1000 Genomes Project 30x 0.00234; 1000 Genomes Project 0.00260; TOPMed 0.00693; gnomAD exomes 0.00701 and 0.01014; ExAC 0.00704; gnomAD 0.00709 and 0.00771; ESP Exome Variant Server 0.00838.
gnomAD v4.1: 15,818 of 1,614,110 alleles (0.98%); highest among the groups gnomAD compares: Non-Finnish European, 1.2%; 108 homozygotes.

Submissions (2):

CeGaT Center for Human Genetics Tuebingen
Classification: Benign. Last evaluated: 2026-06-01. Review status: criteria provided, single submitter. Criteria: CeGaT Center For Human Genetics Tuebingen Variant Classification Criteria Version 2. Collection method: clinical testing. Allele origin: germline. Affected: yes. Observed: 10 variant alleles.
Comment: SLIT3: BS1, BS2

Labcorp Genetics (formerly Invitae), Labcorp
Classification: Benign. Last evaluated: 2018-12-18. Review status: criteria provided, single submitter. Criteria: Invitae Variant Classification Sherloc (09022015). Collection method: clinical testing. Allele origin: germline.